The following is an entry in ClinVar:

NM_001365951.3(KIF1B):c.3934C>T (p.Arg1312Cys)

Gene: KIF1B (kinesin family member 1B; plus strand). Cytogenetic location: 1p36.22.
Variant type: single nucleotide variant.
Coding change: c.3934C>T on transcript NM_001365951.3 (MANE Select); coding-DNA position 3934, C replaced by T.
Protein change: p.Arg1312Cys; replaces arginine 1312 with cysteine.
Molecular consequence: missense variant.
Genome position (GRCh38, 1-based): chr1:10,348,718, C>T. VCF-style: chr1-10348718-C-T. GRCh37 (hg19) VCF-style: chr1-10408776-C-T.
Other names: c.3934C>T, p.Arg1312Cys (NM_001365952.1); c.3796C>T, p.Arg1266Cys (NM_015074.3); short protein forms R1312C, R1266C.
Identifiers: ClinVar variation 1734984 (VCV001734984.4), dbSNP rs760647155, ClinGen allele CA581922.
Genomic context (GRCh38, chr1:10,348,718, plus strand): 5'-CGAAGGATCACAGTGACCATTATCCATGAGAAGGGGAGCGAGCTCCATTGGAAAGATGTT[C>T]GTGAACTGGTGGTAGGTGAGTACGTTTCATCAGCCAAGGATAGAACCAGGACTTACAGAG-3'
Protein context (NP_001352880.1, residues 1302-1322): KGSELHWKDV[Arg1312Cys]ELVVGRIRNK

ClinVar aggregate classification (germline): Uncertain significance. Review status: criteria provided, single submitter (1 of 4 stars). 2 submissions from 2 submitters: Uncertain significance (1). 1 of the submissions does not count toward it. Last evaluated 2024-03-21.

Conditions:
KIF1B-related disorder. Also called: KIF1B-related condition.

Allele frequency attached by ClinVar (database versions not stated): TOPMed below 0.00001; gnomAD 0.00001; gnomAD exomes 0.00001; ExAC 0.00002.
gnomAD v4.1: 18 of 1,613,356 alleles (0.0011%); highest among the groups gnomAD compares: Non-Finnish European, 0.0014%; no homozygotes.

Submissions (2):

Ambry Genetics
Classification: Uncertain significance. Last evaluated: 2024-03-21. Review status: criteria provided, single submitter. Criteria: Ambry Variant Classification Scheme 2023. Collection method: clinical testing. Allele origin: germline.
Comment: The p.R1266C variant (also known as c.3796C>T), located in coding exon 34 of the KIF1B gene, results from a C to T substitution at nucleotide position 3796. The arginine at codon 1266 is replaced by cysteine, an amino acid with highly dissimilar properties. This amino acid position is conserved. In addition, this alteration is predicted to be deleterious by in silico analysis. Since supporting evidence is limited at this time, the clinical significance of this alteration remains unclear.

PreventionGenetics, part of Exact Sciences
Classification: Uncertain significance for KIF1B-related condition. Last evaluated: 2024-01-11. Review status: no assertion criteria provided. Collection method: clinical testing. Allele origin: germline. Not counted in ClinVar's aggregate classification.
Comment: The KIF1B c.3796C>T variant is predicted to result in the amino acid substitution p.Arg1266Cys. To our knowledge, this variant has not been reported in the literature. This variant is reported in 0.0033% of alleles in individuals of South Asian descent in gnomAD and is interpreted as uncertain significance in ClinVar. At this time, the clinical significance of this variant is uncertain due to the absence of conclusive functional and genetic evidence.